The following is an entry in ClinVar:

NM_033118.4(MYLK2):c.85C>A (p.Pro29Thr)

Gene: MYLK2 (myosin light chain kinase 2; plus strand). Cytogenetic location: 20q11.21.
Variant type: single nucleotide variant.
Coding change: c.85C>A on transcript NM_033118.4 (MANE Select); coding-DNA position 85, C replaced by A.
Protein change: p.Pro29Thr; replaces proline 29 with threonine.
Molecular consequence: missense variant.
Genome position (GRCh38, 1-based): chr20:31,820,158, C>A. VCF-style: chr20-31820158-C-A. GRCh37 (hg19) VCF-style: chr20-30407961-C-A.
Other names: short protein forms P29T.
Identifiers: ClinVar variation 2198335 (VCV002198335.5), dbSNP rs752618730, ClinGen allele CA9802837.

ClinVar aggregate classification (germline): Uncertain significance. Review status: criteria provided, multiple submitters, no conflicts (2 of 4 stars). 2 submissions from 2 submitters: Uncertain significance (2). Last evaluated 2025-06-15.

Conditions:
Hypertrophic cardiomyopathy 1 (CMH1). Also called: Familial hypertrophic cardiomyopathy 1; MYH7-Related Familial Hypertrophic Cardiomyopathy. Identifiers: MedGen C3495498, MONDO:0008647, OMIM 192600.

Allele frequency attached by ClinVar (database versions not stated): ExAC 0.00001; TOPMed 0.00001.

Submissions (2):

Labcorp Genetics (formerly Invitae), Labcorp
Classification: Uncertain significance for Hypertrophic cardiomyopathy 1. Last evaluated: 2025-06-15. Review status: criteria provided, single submitter. Criteria: Invitae Variant Classification Sherloc (09022015). Collection method: clinical testing. Allele origin: germline.
Comment: This sequence change replaces proline, which is neutral and non-polar, with threonine, which is neutral and polar, at codon 29 of the MYLK2 protein (p.Pro29Thr). This variant is present in population databases (rs752618730, gnomAD 0.003%). This variant has not been reported in the literature in individuals affected with MYLK2-related conditions. ClinVar contains an entry for this variant (Variation ID: 2198335). An algorithm developed to predict the effect of missense changes on protein structure and function outputs the following: PolyPhen-2: "Benign". The threonine amino acid residue is found in multiple mammalian species, which suggests that this missense change does not adversely affect protein function. In summary, the available evidence is currently insufficient to determine the role of this variant in disease. Therefore, it has been classified as a Variant of Uncertain Significance.

Ambry Genetics
Classification: Uncertain significance. Last evaluated: 2024-12-28. Review status: criteria provided, single submitter. Criteria: Ambry Variant Classification Scheme 2023. Collection method: clinical testing. Allele origin: germline.
Comment: The p.P29T variant (also known as c.85C>A), located in coding exon 2 of the MYLK2 gene, results from a C to A substitution at nucleotide position 85. The proline at codon 29 is replaced by threonine, an amino acid with highly similar properties. This amino acid position is conserved. In addition, this alteration is predicted to be tolerated by in silico analysis. Based on the available evidence, the clinical significance of this variant remains unclear.